The following is an entry in ClinVar:

ClinVar aggregate classification (germline): Uncertain significance. Review status: criteria provided, multiple submitters, no conflicts (2 of 4 stars). 2 submissions from 2 submitters: Uncertain significance (2). Last evaluated 2023-01-29.

Conditions:
Cardiovascular phenotype. Identifiers: MedGen CN230736.
Brugada syndrome 7 (BRGDA7). Identifiers: Orphanet 130, MedGen C2751088, MONDO:0013146, OMIM 613120.

Allele frequency attached by ClinVar (database versions not stated): TOPMed below 0.00001; gnomAD 0.00001.
gnomAD v4.1: 13 of 1,613,898 alleles (0.00081%); highest among the groups gnomAD compares: Non-Finnish European, 0.0011%; no homozygotes.

Submissions (2):

Labcorp Genetics (formerly Invitae), Labcorp
Classification: Uncertain significance for Brugada syndrome 7. Last evaluated: 2023-01-29. Review status: criteria provided, single submitter. Criteria: Invitae Variant Classification Sherloc (09022015). Collection method: clinical testing. Allele origin: germline.
Comment: In summary, the available evidence is currently insufficient to determine the role of this variant in disease. Therefore, it has been classified as a Variant of Uncertain Significance. Algorithms developed to predict the effect of missense changes on protein structure and function are either unavailable or do not agree on the potential impact of this missense change (SIFT: "Tolerated"; PolyPhen-2: "Possibly Damaging"; Align-GVGD: "Class C0"). ClinVar contains an entry for this variant (Variation ID: 1749428). This variant has not been reported in the literature in individuals affected with SCN3B-related conditions. This variant is present in population databases (no rsID available, gnomAD 0.0009%). This sequence change replaces glutamine, which is neutral and polar, with glutamic acid, which is acidic and polar, at codon 192 of the SCN3B protein (p.Gln192Glu).

Ambry Genetics
Classification: Uncertain significance for Cardiovascular phenotype. Last evaluated: 2019-05-29. Review status: criteria provided, single submitter. Criteria: Ambry Variant Classification Scheme 2023. Collection method: clinical testing. Allele origin: germline.
Comment: The p.Q192E variant (also known as c.574C>G), located in coding exon 4 of the SCN3B gene, results from a C to G substitution at nucleotide position 574. The glutamine at codon 192 is replaced by glutamic acid, an amino acid with highly similar properties. This amino acid position is well conserved in available vertebrate species. In addition, the in silico prediction for this alteration is inconclusive. Since supporting evidence is limited at this time, the clinical significance of this alteration remains unclear.

NM_001040151.2(SCN3B):c.574C>G (p.Gln192Glu)

Gene: SCN3B (sodium voltage-gated channel beta subunit 3; minus strand). Cytogenetic location: 11q24.1.
Variant type: single nucleotide variant.
Coding change: c.574C>G on transcript NM_001040151.2 (MANE Select); coding-DNA position 574, C replaced by G.
Protein change: p.Gln192Glu; replaces glutamine 192 with glutamic acid.
Molecular consequence: missense variant.
Genome position (GRCh38, 1-based): chr11:123,638,196, G>C on the plus strand (C>G on the coding strand, the complement: SCN3B is on the minus strand). VCF-style: chr11-123638196-G-C. GRCh37 (hg19) VCF-style: chr11-123508904-G-C.
Other names: c.574C>G, p.Gln192Glu (NM_018400.4); short protein forms Q192E.
Identifiers: ClinVar variation 1749428 (VCV001749428.7), dbSNP rs1349584986, ClinGen allele CA383070140.
Genomic context (GRCh38, chr11:123,638,196, plus strand): 5'-CATTCTGAAGGTGCTAGCTTTCATTATTACTTTGGCATCTCTGGACTTACGCGTTTTCTT[G>C]GGCTGCCTCTTCGGCTTTTGAGACCTTTCTGTAGCAATATATCATCTCGATGAGCAGCCA-3'
Protein context (NP_001035241.1, residues 182-202): RKVSKAEEAA[Gln192Glu]ENASDYLAIP